The following is an entry in ClinVar:

NM_001286577.2(C2CD3):c.5600dup (p.Cys1867fs)

Gene: C2CD3 (C2 domain containing 3 centriole elongation regulator; minus strand). Cytogenetic location: 11q13.4.
Variant type: Duplication.
Coding change: c.5600dup on transcript NM_001286577.2 (MANE Select); coding-DNA position 5600, one base duplicated (G; older notation c.5600dupG).
Protein change: p.Cys1867fs; shifts the reading frame from cysteine 1867.
Molecular consequence: frameshift variant.
Genome position (GRCh38, 1-based): chr11:74,042,114, C duplicated on the plus strand (G on the coding strand, the reverse complement: C2CD3 is on the minus strand). VCF-style (leftmost placement, unchanged base first): chr11-74042113-A-AC. GRCh37 (hg19) VCF-style: chr11-73753158-A-AC.
Other names: c.5600dup, p.Cys1867fs (NM_015531.6); short protein forms C1867fs.
Identifiers: ClinVar variation 3234896 (VCV003234896.1), dbSNP rs1953091771, ClinGen allele CA1982714399.

ClinVar aggregate classification (germline): Likely pathogenic (1 of 4 stars; one submission).

Conditions:
Orofaciodigital syndrome type 14. Also called: Orofaciodigital syndrome xiv. Identifiers: Orphanet 434179, MedGen C4706604, MONDO:0014413, OMIM 615948.

Submission:

Neuberg Centre For Genomic Medicine, NCGM
Classification: Likely pathogenic for Orofaciodigital syndrome type 14. Review status: criteria provided, single submitter. Criteria: ACMG Guidelines, 2015. Collection method: clinical testing. Allele origin: germline. Inheritance: Autosomal recessive inheritance. Affected: yes.
Comment: The frameshift variant c.5600dup p.Cys1867TrpfsTer2 in the C2CD3 gene has not been reported previously as a pathogenic variant nor as a benign variant, to our knowledge. The variant is novel not in any individuals in gnomAD Exomes and 1000 Genomes. This variant causes a frameshift starting with codon Cysteine 1867, changes this amino acid to Tryptophan residue, and creates a premature Stop codon at position 2 of the new reading frame. This variant is predicted to cause loss of normal protein function through protein truncation. Loss of function variants have been previously reported to be disease causing Thauvin-Robinet et al., 2014. For these reasons, this variant has been classified as Likely Pathogenic.